The following is an entry in ClinVar:

ClinVar aggregate classification (germline): Likely benign. Review status: criteria provided, multiple submitters, no conflicts (2 of 4 stars). 2 submissions from 2 submitters: Likely benign (2). Last evaluated 2025-11-08.

Allele frequency attached by ClinVar (database versions not stated): ExAC 0.00002; gnomAD 0.00005; TOPMed 0.00005; gnomAD exomes 0.00005.
gnomAD v4.1: 82 of 1,613,356 alleles (0.0051%); highest among the groups gnomAD compares: Non-Finnish European, 0.0065%; no homozygotes.

Submissions (2):

Labcorp Genetics (formerly Invitae), Labcorp
Classification: Likely benign. Last evaluated: 2025-11-08. Review status: criteria provided, single submitter. Criteria: Invitae Variant Classification Sherloc (09022015). Collection method: clinical testing. Allele origin: germline.

Women's Health and Genetics/Laboratory Corporation of America, LabCorp
Classification: Likely benign. Last evaluated: 2024-11-25. Review status: criteria provided, single submitter. Criteria: LabCorp Variant Classification Summary - May 2015. Collection method: clinical testing. Allele origin: germline.
Comment: Variant summary: CTDP1 c.2355C>T results in a synonymous change. Consensus agreement among computation tools predict no significant impact on normal splicing. However, these predictions have yet to be confirmed by functional studies. The variant allele was found at a frequency of 2.8e-05 in 250162 control chromosomes. The available data on variant occurrences in the general population are insufficient to allow any conclusion about variant significance. To our knowledge, no occurrence of c.2355C>T in individuals affected with Congenital cataracts-facial dysmorphism-neuropathy syndrome and no experimental evidence demonstrating its impact on protein function have been reported. ClinVar contains an entry for this variant (Variation ID: 2872030). Based on the evidence outlined above, the variant was classified as likely benign.

NM_004715.5(CTDP1):c.2355C>T (p.Gly785=)

Gene: CTDP1 (CTD phosphatase subunit 1; plus strand). Cytogenetic location: 18q23.
Variant type: single nucleotide variant.
Coding change: c.2355C>T on transcript NM_004715.5 (MANE Select); coding-DNA position 2355, C replaced by T.
Protein change: p.Gly785=; no amino-acid change (glycine 785 retained).
Molecular consequence: synonymous variant.
Genome position (GRCh38, 1-based): chr18:79,717,954, C>T. VCF-style: chr18-79717954-C-T. GRCh37 (hg19) VCF-style: chr18-77477954-C-T.
Other names: c.1998C>T, p.Gly666= (NM_001202504.1); c.2355C>T, p.Gly785= (NM_001318511.2, NM_048368.4).
Identifiers: ClinVar variation 2872030 (VCV002872030.5), dbSNP rs199810655, ClinGen allele CA9010562.